The following is an entry in ClinVar:

ClinVar aggregate classification (germline): Uncertain significance (1 of 4 stars; one submission).

Submission:

Ambry Genetics
Classification: Uncertain significance. Last evaluated: 2024-04-11. Review status: criteria provided, single submitter. Criteria: Ambry Variant Classification Scheme 2023. Collection method: clinical testing. Allele origin: germline.
Comment: The p.Q302L variant (also known as c.905A>T), located in coding exon 9 of the BUB1 gene, results from an A to T substitution at nucleotide position 905. The glutamine at codon 302 is replaced by leucine, an amino acid with dissimilar properties. This amino acid position is conserved. In addition, this alteration is predicted to be tolerated by in silico analysis. Since supporting evidence is limited at this time, the clinical significance of this alteration remains unclear.

NM_004336.5(BUB1):c.905A>T (p.Gln302Leu)

Gene: BUB1 (BUB1 mitotic checkpoint serine/threonine kinase; minus strand). Cytogenetic location: 2q13.
Variant type: single nucleotide variant.
Coding change: c.905A>T on transcript NM_004336.5 (MANE Select); coding-DNA position 905, A replaced by T.
Protein change: p.Gln302Leu; replaces glutamine 302 with leucine.
Molecular consequence: missense variant.
Genome position (GRCh38, 1-based): chr2:110,666,315, T>A on the plus strand (A>T on the coding strand, the complement: BUB1 is on the minus strand). VCF-style: chr2-110666315-T-A. GRCh37 (hg19) VCF-style: chr2-111423892-T-A.
Other names: c.845A>T, p.Gln282Leu (NM_001278616.2); c.905A>T, p.Gln302Leu (NM_001278617.2); short protein forms Q282L, Q302L.
Identifiers: ClinVar variation 1765618 (VCV001765618.3), dbSNP rs962136013, ClinGen allele CA53540153.